The following is an entry in ClinVar:

ClinVar aggregate classification (germline): Likely pathogenic. Review status: criteria provided, multiple submitters, no conflicts (2 of 4 stars). 2 submissions from 2 submitters: Likely pathogenic (2). Last evaluated 2024-02-23.

Conditions:
Ataxia-telangiectasia syndrome (AT). Also called: Ataxia telangiectasia (A-T); Ataxia-telangiectasia, complementation group D; Ataxia-telangiectasia, complementation group E; LOUIS-BAR SYNDROME; Cerebello-oculocutaneous telangiectasia; Immunodeficiency with ataxia telangiectasia. Identifiers: Orphanet 100, MedGen C0004135, MONDO:0008840, OMIM 208900.
Familial cancer of breast. Also called: Hereditary breast cancer; BREAST CANCER, FAMILIAL; hereditary breast carcinoma. Identifiers: Orphanet 227535, MedGen C0346153, MONDO:0016419, OMIM 114480. Disease mechanism: loss of function.

Submissions (2):

Labcorp Genetics (formerly Invitae), Labcorp
Classification: Likely pathogenic for Ataxia-telangiectasia syndrome. Last evaluated: 2024-02-23. Review status: criteria provided, single submitter. Criteria: Invitae Variant Classification Sherloc (09022015). Collection method: clinical testing. Allele origin: germline.
Comment: This sequence change affects a donor splice site in intron 25 of the ATM gene. It is expected to disrupt RNA splicing. Variants that disrupt the donor or acceptor splice site typically lead to a loss of protein function (PMID: 16199547), and loss-of-function variants in ATM are known to be pathogenic (PMID: 23807571, 25614872). This variant is not present in population databases (gnomAD no frequency). This variant has not been reported in the literature in individuals affected with ATM-related conditions. Algorithms developed to predict the effect of sequence changes on RNA splicing suggest that this variant may disrupt the consensus splice site. In summary, the currently available evidence indicates that the variant is pathogenic, but additional data are needed to prove that conclusively. Therefore, this variant has been classified as Likely Pathogenic.

Myriad Genetics, Inc.
Classification: Likely pathogenic for Familial cancer of breast. Last evaluated: 2024-01-22. Review status: criteria provided, single submitter. Criteria: Myriad Autosomal Dominant, Autosomal Recessive and X-Linked Classification Criteria (2023). Collection method: clinical testing. Allele origin: unknown.
Comment: This variant is considered likely pathogenic. This variant occurs within a consensus splice junction and is predicted to result in abnormal mRNA splicing of either an out-of-frame exon or an in-frame exon necessary for protein stability and/or normal function.

Literature cited by the submitters: PubMed 16199547 (cited by Labcorp Genetics (formerly Invitae), Labcorp); PubMed 23807571 (cited by Labcorp Genetics (formerly Invitae), Labcorp); PubMed 25614872 (cited by Labcorp Genetics (formerly Invitae), Labcorp).

NM_000051.4(ATM):c.3746+2T>A

Gene: ATM (ATM serine/threonine kinase; plus strand). Cytogenetic location: 11q22.3.
Variant type: single nucleotide variant.
Coding change: c.3746+2T>A on transcript NM_000051.4 (MANE Select); the canonical splice donor site of the intron after coding-DNA position 3746, T replaced by A.
Molecular consequence: splice donor variant.
Genome position (GRCh38, 1-based): chr11:108,282,881, T>A. VCF-style: chr11-108282881-T-A. GRCh37 (hg19) VCF-style: chr11-108153608-T-A.
Other names: c.3746+2T>A (NM_001351834.2).
Identifiers: ClinVar variation 3148005 (VCV003148005.3), dbSNP rs2135691302, ClinGen allele CA382523926.